The following is an entry in ClinVar:

NM_000834.5(GRIN2B):c.3985C>G (p.Arg1329Gly)

Gene: GRIN2B (glutamate ionotropic receptor NMDA type subunit 2B; minus strand). Cytogenetic location: 12p13.1.
Variant type: single nucleotide variant.
Coding change: c.3985C>G on transcript NM_000834.5 (MANE Select); coding-DNA position 3985, C replaced by G.
Protein change: p.Arg1329Gly; replaces arginine 1329 with glycine.
Molecular consequence: missense variant.
Genome position (GRCh38, 1-based): chr12:13,563,253, G>C on the plus strand (C>G on the coding strand, the complement: GRIN2B is on the minus strand). VCF-style: chr12-13563253-G-C. GRCh37 (hg19) VCF-style: chr12-13716187-G-C.
Other names: short protein forms R1329G.
Identifiers: ClinVar variation 589269 (VCV000589269.7), dbSNP rs1555101805, ClinGen allele CA383987030.
Genomic context (GRCh38, chr12:13,563,253, plus strand): 5'-AGGTGCTCTCGCCAGCTGACATCTCAAACATGTGGGCGTAGGGGCTCCCATCCATGAATC[G>C]GCCCTTGTCTTTCAGGCTTACGCTGCGCGGGGCCAGGGCGGCTTCTTCCTTCTGCAGGTC-3'
Protein context (NP_000825.2, residues 1319-1339): PRSVSLKDKG[Arg1329Gly]FMDGSPYAHM

ClinVar aggregate classification (germline): Uncertain significance. Review status: criteria provided, multiple submitters, no conflicts (2 of 4 stars). 2 submissions from 2 submitters: Uncertain significance (2). Last evaluated 2016-05-03.

Conditions:
Intellectual developmental disorder, autosomal dominant 6, with or without seizures. Also called: Intellectual disability, autosomal dominant 6; GRIN2B-related developmental delay, intellectual disability and autism spectrum disorder. Identifiers: Orphanet 589547, MedGen C3151411, MONDO:0013509, OMIM 613970.
Developmental and epileptic encephalopathy, 27 (DEE27). Also called: GRIN2B-Related Neurodevelopmental Disorder; Epileptic encephalopathy, early infantile, 27. Identifiers: Orphanet 3451, MedGen C4015316, MONDO:0014505, OMIM 616139.
Inborn genetic diseases. Identifiers: MedGen C0950123, MeSH D030342.

Submissions (2):

Ambry Genetics
Classification: Uncertain significance for Inborn genetic diseases. Last evaluated: 2016-05-03. Review status: criteria provided, single submitter. Criteria: Ambry Variant Classification Scheme 2023. Collection method: clinical testing. Allele origin: germline.
Comment: The p.R1329G variant (also known as c.3985C>G), located in coding exon 12 of the GRIN2B gene, results from a C to G substitution at nucleotide position 3985. The arginine at codon 1329 is replaced by glycine, an amino acid with dissimilar properties. This variant was not reported in population based cohorts in the following databases: Database of Single Nucleotide Polymorphisms (dbSNP), NHLBI Exome Sequencing Project (ESP), and 1000 Genomes Project. In the ESP, this variant was not observed in 6503 samples (13006 alleles) with coverage at this position. This amino acid position is highly conserved in available vertebrate species. In addition, this alteration is predicted to be deleterious by in silico analysis. Since supporting evidence is limited at this time, the clinical significance of this variant remains unclear.

Juno Genomics, Hangzhou Juno Genomics, Inc
Classification: Uncertain significance for Developmental and epileptic encephalopathy, 27; Intellectual developmental disorder, autosomal dominant 6, with or without seizures. Review status: criteria provided, single submitter. Criteria: ACMG Guidelines, 2015. Collection method: clinical testing. Allele origin: germline.
Comment: Absent from controls (or at extremely low frequency if recessive) in Genome Aggregation Database.;Missense variant in a gene that has a low rate of benign missense variation.